The following is an entry in ClinVar:

ClinVar aggregate classification (germline): Uncertain significance (1 of 4 stars; one submission).

Submission:

Labcorp Genetics (formerly Invitae), Labcorp
Classification: Uncertain significance. Last evaluated: 2022-03-07. Review status: criteria provided, single submitter. Criteria: Invitae Variant Classification Sherloc (09022015). Collection method: clinical testing. Allele origin: germline.
Comment: In summary, the available evidence is currently insufficient to determine the role of this variant in disease. Therefore, it has been classified as a Variant of Uncertain Significance. This variant has not been reported in the literature in individuals affected with GALNT12-related conditions. The frequency data for this variant in the population databases is considered unreliable, as metrics indicate insufficient coverage at this position in the gnomAD database. This variant, c.137_142dup, results in the insertion of 2 amino acid(s) of the GALNT12 protein (p.Gly46_Ala47dup), but otherwise preserves the integrity of the reading frame.

NM_024642.5(GALNT12):c.137_142dup (p.Ala47_Ala48insGlyAla)

Gene: GALNT12 (polypeptide N-acetylgalactosaminyltransferase 12; plus strand). Cytogenetic location: 9q22.33.
Variant type: Duplication.
Coding change: c.137_142dup on transcript NM_024642.5 (MANE Select); coding-DNA positions 137 to 142, 6 bases duplicated (GGGCTG; older notation c.137_142dupGGGCTG).
Protein change: p.Ala47_Ala48insGlyAla.
Molecular consequence: inframe insertion.
Genome position (GRCh38, 1-based): chr9:98,807,835-98,807,840, GGGCTG duplicated; duplicating any 6 consecutive bases within chr9:98,807,834-98,807,840 gives the same sequence; the c. name uses the placement nearest the transcript's 3' end. VCF-style (leftmost placement, unchanged base first): chr9-98807833-C-CGGGGCT. GRCh37 (hg19) VCF-style: chr9-101570115-C-CGGGGCT.
Identifiers: ClinVar variation 1970114 (VCV001970114.5), dbSNP rs2490455312, ClinGen allele CA2580080829.